The following is an entry in ClinVar:

NM_007272.3(CTRC):c.274G>A (p.Glu92Lys)

Gene: CTRC (chymotrypsin C; plus strand). Cytogenetic location: 1p36.21.
Variant type: single nucleotide variant.
Coding change: c.274G>A on transcript NM_007272.3 (MANE Select); coding-DNA position 274, G replaced by A.
Protein change: p.Glu92Lys; replaces glutamic acid 92 with lysine.
Molecular consequence: missense variant.
Genome position (GRCh38, 1-based): chr1:15,442,490, G>A. VCF-style: chr1-15442490-G-A. GRCh37 (hg19) VCF-style: chr1-15768986-G-A.
Other names: short protein forms E92K.
Identifiers: ClinVar variation 1795539 (VCV001795539.2), dbSNP rs2526294414, ClinGen allele CA338565411.
Genomic context (GRCh38, chr1:15,442,490, plus strand): 5'-CCCCTTCCTCTGCCCAGCAACACCCGGACCTACCGTGTGGCCGTGGGAAAGAACAACCTG[G>A]AGGTGGAAGACGAAGAAGGATCCCTGTTTGTGGGTGTGGACACCATCCACGTCCACAAGA-3'
Protein context (NP_009203.2, residues 82-102): YRVAVGKNNL[Glu92Lys]VEDEEGSLFV

ClinVar aggregate classification (germline): Uncertain significance (1 of 4 stars; one submission).

Conditions:
Hereditary pancreatitis (PCTT). Also called: Hereditary chronic pancreatitis; PRSS1-Related Hereditary Pancreatitis. Identifiers: Orphanet 676, MedGen C0238339, MONDO:0008185, OMIM 167800.

gnomAD v4.1: 1 of 1,614,144 alleles (0.000062%); highest among the groups gnomAD compares: Non-Finnish European, 0.000085%; no homozygotes.

Submission:

Ambry Genetics
Classification: Uncertain significance for Hereditary pancreatitis. Last evaluated: 2022-09-19. Review status: criteria provided, single submitter. Criteria: Ambry Variant Classification Scheme 2023. Collection method: clinical testing. Allele origin: germline.
Comment: The p.E92K variant (also known as c.274G>A), located in coding exon 4 of the CTRC gene, results from a G to A substitution at nucleotide position 274. The glutamic acid at codon 92 is replaced by lysine, an amino acid with similar properties. This amino acid position is conserved. In addition, this alteration is predicted to be tolerated by in silico analysis. Since supporting evidence is limited at this time, the clinical significance of this alteration remains unclear.